The following is an entry in ClinVar:

NM_005359.6(SMAD4):c.636C>T (p.Ala212=)

Gene: SMAD4 (SMAD family member 4; plus strand). Cytogenetic location: 18q21.2.
Variant type: single nucleotide variant.
Coding change: c.636C>T on transcript NM_005359.6 (MANE Select); coding-DNA position 636, C replaced by T.
Protein change: p.Ala212=; no amino-acid change (alanine 212 retained).
Molecular consequence: synonymous variant. On other transcripts: non-coding transcript variant (2).
Genome position (GRCh38, 1-based): chr18:51,054,962, C>T. VCF-style: chr18-51054962-C-T. GRCh37 (hg19) VCF-style: chr18-48581332-C-T.
Other names: c.636C>T, p.Ala212= (NM_001407042.1, NM_001407043.1, NM_001407041.1).
Identifiers: ClinVar variation 3903693 (VCV003903693.1).

ClinVar aggregate classification (germline): Benign (1 of 4 stars; one submission).

Conditions:
Juvenile polyposis/hereditary hemorrhagic telangiectasia syndrome (JPHT). Also called: JP/HHT SYNDROME; JUVENILE POLYPOSIS WITH HEREDITARY HEMORRHAGIC TELANGIECTASIA; POLYPOSIS, GENERALIZED JUVENILE, WITH PULMONARY ARTERIOVENOUS MALFORMATION; TELANGIECTASIA, HEREDITARY HEMORRHAGIC, WITH JUVENILE POLYPOSIS COLI; Juvenile Polyposis Syndrome / Hereditary Hemorrhagic Telangiectasia (JPS/HHT). Identifiers: Orphanet 2929, MedGen C1832942, MONDO:0008278, OMIM 175050.

Submission:

Myriad Genetics, Inc.
Classification: Benign for Juvenile polyposis/hereditary hemorrhagic telangiectasia syndrome. Last evaluated: 2025-03-19. Review status: criteria provided, single submitter. Criteria: Myriad Autosomal Dominant, Autosomal Recessive and X-Linked Classification Criteria (2023). Collection method: clinical testing. Allele origin: unknown.
Comment: This variant is considered benign. This variant is a silent/synonymous amino acid change and it is not expected to impact splicing.